The following is an entry in ClinVar:

ClinVar aggregate classification (germline): Uncertain significance (1 of 4 stars; one submission).

Conditions:
CUL3-related disorder. Also called: CUL3-related condition; CUL3-related disorders.

gnomAD v4.1: 1 of 1,487,108 alleles (0.000067%); highest among the groups gnomAD compares: Non-Finnish European, 0.00009%; no homozygotes.

Submission:

PreventionGenetics, part of Exact Sciences
Classification: Uncertain significance for CUL3-related condition. Last evaluated: 2023-09-17. Review status: criteria provided, single submitter. Criteria: ACMG Guidelines, 2015. Collection method: clinical testing. Allele origin: germline.
Comment: The CUL3 c.65C>T variant is predicted to result in the amino acid substitution p.Pro22Leu. To our knowledge, this variant has not been reported in the literature or in a large population database, indicating this variant is rare. At this time, the clinical significance of this variant is uncertain due to the absence of conclusive functional and genetic evidence.

NM_003590.5(CUL3):c.65C>T (p.Pro22Leu)

Genes: CUL3 (cullin 3; minus strand), LOC129935709 (ATAC-STARR-seq lymphoblastoid silent region 12382; plus strand). Cytogenetic location: 2q36.2.
Variant type: single nucleotide variant.
Coding change: c.65C>T on transcript NM_003590.5 (MANE Select); coding-DNA position 65, C replaced by T.
Protein change: p.Pro22Leu; replaces proline 22 with leucine.
Molecular consequence: missense variant.
Genome position (GRCh38, 1-based): chr2:224,584,945, G>A on the plus strand (C>T on the coding strand, the complement: CUL3 is on the minus strand). VCF-style: chr2-224584945-G-A. GRCh37 (hg19) VCF-style: chr2-225449662-G-A.
Other names: c.65C>T, p.Pro22Leu (NM_001257197.2); short protein forms P22L.
Identifiers: ClinVar variation 2630693 (VCV002630693.1), dbSNP rs867746441, ClinGen allele CA66591319.